The following is an entry in ClinVar:

ClinVar aggregate classification (germline): Likely pathogenic (1 of 4 stars; one submission).

Conditions:
RASopathy. Also called: rasopathies; Noonan spectrum disorder. Identifiers: Orphanet 536391, MedGen C5555857, MONDO:0021060.

Submission:

Labcorp Genetics (formerly Invitae), Labcorp
Classification: Likely pathogenic for RASopathy. Last evaluated: 2019-10-15. Review status: criteria provided, single submitter. Criteria: Invitae Variant Classification Sherloc (09022015). Collection method: clinical testing. Allele origin: germline.
Comment: In summary, the currently available evidence indicates that the variant is pathogenic, but additional data are needed to prove that conclusively. Therefore, this variant has been classified as Likely Pathogenic. This variant is not present in population databases (ExAC no frequency). This variant has not been reported in the literature in individuals with PTPN11-related conditions. Algorithms developed to predict the effect of sequence changes on RNA splicing suggest that this variant may disrupt the consensus splice site, but this prediction has not been confirmed by published transcriptional studies. Donor and acceptor splice site variants typically lead to a loss of protein function (PMID: 16199547), and loss-of-function variants in PTPN11 are known to be pathogenic (PMID: 20577567, 21533187). This sequence change affects an acceptor splice site in intron 12 of the PTPN11 gene. It is expected to disrupt RNA splicing and likely results in an absent or disrupted protein product.

Literature cited by the submitters: PubMed 16199547; PubMed 20577567; PubMed 21533187.

NM_002834.5(PTPN11):c.1448-1G>A

Gene: PTPN11 (protein tyrosine phosphatase non-receptor type 11; plus strand). Cytogenetic location: 12q24.13.
Variant type: single nucleotide variant.
Coding change: c.1448-1G>A on transcript NM_002834.5 (MANE Select); the canonical splice acceptor site of the intron before coding-DNA position 1448, G replaced by A.
Molecular consequence: splice acceptor variant.
Genome position (GRCh38, 1-based): chr12:112,489,023, G>A. VCF-style: chr12-112489023-G-A. GRCh37 (hg19) VCF-style: chr12-112926827-G-A.
Other names: c.1460-1G>A (NM_001330437.2); c.1445-1G>A (NM_001374625.1).
Identifiers: ClinVar variation 938401 (VCV000938401.8), dbSNP rs2038713813, ClinGen allele CA386779659.